The following is an entry in ClinVar:

NM_005984.5(SLC25A1):c.381_382del (p.Cys127fs)

Gene: SLC25A1 (solute carrier family 25 member 1; minus strand). Cytogenetic location: 22q11.21.
Variant type: Deletion.
Coding change: c.381_382del on transcript NM_005984.5 (MANE Select); coding-DNA positions 381 to 382, 2 bases deleted (CG; older notation c.381_382delCG).
Protein change: p.Cys127fs; shifts the reading frame from cysteine 127.
Molecular consequence: frameshift variant.
Genome position (GRCh38, 1-based): chr22:19,177,786-19,177,787, CG deleted on the plus strand (CG on the coding strand, the reverse complement: SLC25A1 is on the minus strand); deleting any 2 consecutive bases within chr22:19,177,786-19,177,788 gives the same sequence; the c. name uses the placement nearest the transcript's 3' end. VCF-style (leftmost placement, unchanged base first): chr22-19177785-CCG-C. GRCh37 (hg19) VCF-style: chr22-19165298-CCG-C.
Other names: c.402_403del, p.Cys134fs (NM_001256534.2); c.72_73del, p.Cys24fs (NM_001287387.2); short protein forms C127fs, C134fs, C24fs.
Identifiers: ClinVar variation 2368692 (VCV002368692.2), dbSNP rs2517255245, ClinGen allele CA2580099088.

ClinVar aggregate classification (germline): Pathogenic (1 of 4 stars; one submission).

Conditions:
Inborn genetic diseases. Identifiers: MedGen C0950123, MeSH D030342.

Submission:

Ambry Genetics
Classification: Pathogenic for Inborn genetic diseases. Last evaluated: 2021-10-15. Review status: criteria provided, single submitter. Criteria: Ambry Variant Classification Scheme 2023. Collection method: clinical testing. Allele origin: germline.
Comment: The c.381_382delCG (p.C127Wfs*42) alteration, located in exon 4 (coding exon 4) of the SLC25A1 gene, consists of a deletion of 2 nucleotides from position 381 to 382, causing a translational frameshift with a predicted alternate stop codon after 42 amino acids. This alteration is expected to result in loss of function by premature protein truncation or nonsense-mediated mRNA decay. This variant was not reported in population-based cohorts in the Genome Aggregation Database (gnomAD). Based on the available evidence, this alteration is classified as pathogenic.